The following is an entry in ClinVar:

NM_033305.3(VPS13A):c.5875G>A (p.Val1959Met)

Gene: VPS13A (vacuolar protein sorting 13 homolog A; plus strand). Cytogenetic location: 9q21.2.
Variant type: single nucleotide variant.
Coding change: c.5875G>A on transcript NM_033305.3 (MANE Select); coding-DNA position 5875, G replaced by A.
Protein change: p.Val1959Met; replaces valine 1959 with methionine.
Molecular consequence: missense variant.
Genome position (GRCh38, 1-based): chr9:77,323,111, G>A. VCF-style: chr9-77323111-G-A. GRCh37 (hg19) VCF-style: chr9-79938027-G-A.
Other names: c.5758G>A, p.Val1920Met (NM_001018037.2); c.5875G>A, p.Val1959Met (NM_001018038.3, NM_015186.4); short protein forms V1959M, V1920M.
Identifiers: ClinVar variation 2721718 (VCV002721718.3), dbSNP rs2538015387, ClinGen allele CA373865161.

ClinVar aggregate classification (germline): Uncertain significance (1 of 4 stars; one submission).

Submission:

Labcorp Genetics (formerly Invitae), Labcorp
Classification: Uncertain significance. Last evaluated: 2023-06-21. Review status: criteria provided, single submitter. Criteria: Invitae Variant Classification Sherloc (09022015). Collection method: clinical testing. Allele origin: germline.
Comment: This variant has not been reported in the literature in individuals affected with VPS13A-related conditions. In summary, the available evidence is currently insufficient to determine the role of this variant in disease. Therefore, it has been classified as a Variant of Uncertain Significance. Advanced modeling of protein sequence and biophysical properties (such as structural, functional, and spatial information, amino acid conservation, physicochemical variation, residue mobility, and thermodynamic stability) performed at Invitae indicates that this missense variant is expected to disrupt VPS13A protein function. This variant is not present in population databases (gnomAD no frequency). This sequence change replaces valine, which is neutral and non-polar, with methionine, which is neutral and non-polar, at codon 1959 of the VPS13A protein (p.Val1959Met).